The following is an entry in ClinVar:

ClinVar aggregate classification (germline): Uncertain significance. Review status: criteria provided, multiple submitters, no conflicts (2 of 4 stars). 2 submissions from 2 submitters: Uncertain significance (2). Last evaluated 2025-11-17.

Conditions:
Inborn genetic diseases. Identifiers: MedGen C0950123, MeSH D030342.

gnomAD v4.1: 3 of 1,613,450 alleles (0.00019%); highest among the groups gnomAD compares: Admixed American, 0.0033%; no homozygotes.

Submissions (2):

Labcorp Genetics (formerly Invitae), Labcorp
Classification: Uncertain significance. Last evaluated: 2025-11-17. Review status: criteria provided, single submitter. Criteria: Invitae Variant Classification Sherloc (09022015). Collection method: clinical testing. Allele origin: germline.
Comment: This sequence change replaces lysine, which is basic and polar, with glutamic acid, which is acidic and polar, at codon 1694 of the COL4A2 protein (p.Lys1694Glu). This variant is present in population databases (no rsID available, gnomAD 0.006%). This variant has not been reported in the literature in individuals affected with COL4A2-related conditions. ClinVar contains an entry for this variant (Variation ID: 4232273). Invitae Evidence Modeling of protein sequence and biophysical properties (such as structural, functional, and spatial information, amino acid conservation, physicochemical variation, residue mobility, and thermodynamic stability) indicates that this missense variant is not expected to disrupt COL4A2 protein function with a negative predictive value of 95%. In summary, the available evidence is currently insufficient to determine the role of this variant in disease. Therefore, it has been classified as a Variant of Uncertain Significance.

Ambry Genetics
Classification: Uncertain significance for Inborn genetic diseases. Last evaluated: 2025-09-10. Review status: criteria provided, single submitter. Criteria: Ambry Variant Classification Scheme 2023. Collection method: clinical testing. Allele origin: germline.

NM_001846.4(COL4A2):c.5080A>G (p.Lys1694Glu)

Gene: COL4A2 (collagen type IV alpha 2 chain; plus strand). Cytogenetic location: 13q34.
Variant type: single nucleotide variant.
Coding change: c.5080A>G on transcript NM_001846.4 (MANE Select); coding-DNA position 5080, A replaced by G.
Protein change: p.Lys1694Glu; replaces lysine 1694 with glutamic acid.
Molecular consequence: missense variant.
Genome position (GRCh38, 1-based): chr13:110,512,132, A>G. VCF-style: chr13-110512132-A-G. GRCh37 (hg19) VCF-style: chr13-111164479-A-G.
Other names: short protein forms K1694E.
Identifiers: ClinVar variation 4232273 (VCV004232273.2).
Genomic context (GRCh38, chr13:110,512,132, plus strand): 5'-TTCTGGCTGACCACCATTCCCGAGCAGAGCTTCCAGGGCTCGCCCTCCGCCGACACGCTC[A>G]AGGCCGGCCTCATCCGCACACACATCAGCCGCTGCCAGGTGTGCATGAAGAACCTGTGAG-3'
Protein context (NP_001837.2, residues 1684-1704): FQGSPSADTL[Lys1694Glu]AGLIRTHISR